The following is an entry in ClinVar:

NM_001042492.3(NF1):c.5783A>T (p.Glu1928Val)

Gene: NF1 (neurofibromin 1; plus strand). Cytogenetic location: 17q11.2.
Variant type: single nucleotide variant.
Coding change: c.5783A>T on transcript NM_001042492.3 (MANE Select); coding-DNA position 5783, A replaced by T.
Protein change: p.Glu1928Val; replaces glutamic acid 1928 with valine.
Molecular consequence: missense variant.
Genome position (GRCh38, 1-based): chr17:31,330,469, A>T. VCF-style: chr17-31330469-A-T. GRCh37 (hg19) VCF-style: chr17-29657487-A-T.
Other names: c.5720A>T, p.Glu1907Val (NM_000267.4); short protein forms E1907V, E1928V.
Identifiers: ClinVar variation 4860838 (VCV004860838.1).

ClinVar aggregate classification (germline): Uncertain significance (1 of 4 stars; one submission).

Conditions:
Cardiovascular phenotype. Identifiers: MedGen CN230736.
Hereditary cancer-predisposing syndrome. Also called: Neoplastic Syndromes, Hereditary; Tumor predisposition; Hereditary Cancer Syndrome; Hereditary neoplastic syndrome. Identifiers: Orphanet 140162, MedGen C0027672, MeSH D009386, MONDO:0015356.

Submission:

Ambry Genetics
Classification: Uncertain significance for Cardiovascular phenotype; Hereditary cancer-predisposing syndrome. Last evaluated: 2026-04-15. Review status: criteria provided, single submitter. Criteria: Ambry Variant Classification Scheme 2023. Collection method: clinical testing. Allele origin: germline.
Comment: The p.E1907V variant (also known as c.5720A>T), located in coding exon 38 of the NF1 gene, results from an A to T substitution at nucleotide position 5720. The glutamic acid at codon 1907 is replaced by valine, an amino acid with dissimilar properties. This amino acid position is highly conserved in available vertebrate species. In addition, the in silico prediction for this alteration is inconclusive. Based on the available evidence, the clinical significance of this variant remains unclear.